The following is an entry in ClinVar:

NM_001378778.1(MPDZ):c.1820T>C (p.Leu607Ser)

Gene: MPDZ (multiple PDZ domain crumbs cell polarity complex component; minus strand). Cytogenetic location: 9p23.
Variant type: single nucleotide variant.
Coding change: c.1820T>C on transcript NM_001378778.1 (MANE Select); coding-DNA position 1820, T replaced by C.
Protein change: p.Leu607Ser; replaces leucine 607 with serine.
Molecular consequence: missense variant.
Genome position (GRCh38, 1-based): chr9:13,192,279, A>G on the plus strand (T>C on the coding strand, the complement: MPDZ is on the minus strand). VCF-style: chr9-13192279-A-G. GRCh37 (hg19) VCF-style: chr9-13192278-A-G.
Other names: c.1820T>C (NM_003829.4, NM_003829.3); c.1820T>C, p.Leu607Ser (NM_001261406.2, NM_001261407.2, NM_001330637.2 and 14 more transcripts); short protein forms L607S.
Identifiers: ClinVar variation 1346148 (VCV001346148.6), dbSNP rs200777934, ClinGen allele CA4987648.

ClinVar aggregate classification (germline): Uncertain significance. Review status: criteria provided, multiple submitters, no conflicts (2 of 4 stars). 4 submissions from 4 submitters: Uncertain significance (4). Last evaluated 2025-01-11.

Conditions:
Inborn genetic diseases. Identifiers: MedGen C0950123, MeSH D030342.
MPDZ-related disorder. Also called: MPDZ-related condition.

Allele frequency attached by ClinVar (database versions not stated): ExAC 0.00004; gnomAD exomes 0.00007; gnomAD 0.00015 and 0.00016; 1000 Genomes Project 30x 0.00031; TOPMed 0.00034.
gnomAD v4.1: 109 of 1,599,040 alleles (0.0068%); highest among the groups gnomAD compares: Admixed American, 0.059%; no homozygotes.

Submissions (4):

PreventionGenetics, part of Exact Sciences
Classification: Uncertain significance for MPDZ-related condition. Last evaluated: 2025-01-11. Review status: criteria provided, single submitter. Criteria: ACMG Guidelines, 2015. Collection method: clinical testing. Allele origin: germline.
Comment: The MPDZ c.1820T>C variant is predicted to result in the amino acid substitution p.Leu607Ser. To our knowledge, this variant has not been reported in the literature. This variant is reported in 0.016% of alleles in individuals of Latino descent in gnomAD. At this time, the clinical significance of this variant is uncertain due to the absence of conclusive functional and genetic evidence.

Blueprint Genetics
Classification: Uncertain significance. Last evaluated: 2024-11-07. Review status: criteria provided, single submitter. Criteria: ACMG Guidelines, 2015. Collection method: clinical testing. Allele origin: germline.

Ambry Genetics
Classification: Uncertain significance for Inborn genetic diseases. Last evaluated: 2023-12-15. Review status: criteria provided, single submitter. Criteria: Ambry Variant Classification Scheme 2023. Collection method: clinical testing. Allele origin: germline.

Labcorp Genetics (formerly Invitae), Labcorp
Classification: Uncertain significance. Last evaluated: 2022-08-21. Review status: criteria provided, single submitter. Criteria: Invitae Variant Classification Sherloc (09022015). Collection method: clinical testing. Allele origin: germline.
Comment: This sequence change replaces leucine, which is neutral and non-polar, with serine, which is neutral and polar, at codon 607 of the MPDZ protein (p.Leu607Ser). This variant is present in population databases (rs200777934, gnomAD 0.02%). This variant has not been reported in the literature in individuals affected with MPDZ-related conditions. ClinVar contains an entry for this variant (Variation ID: 1346148). Algorithms developed to predict the effect of missense changes on protein structure and function (SIFT, PolyPhen-2, Align-GVGD) all suggest that this variant is likely to be disruptive. In summary, the available evidence is currently insufficient to determine the role of this variant in disease. Therefore, it has been classified as a Variant of Uncertain Significance.